The following is an entry in ClinVar:

NM_004562.3(PRKN):c.125G>C (p.Arg42Pro)

Gene: PRKN (parkin RBR E3 ubiquitin protein ligase; minus strand). Cytogenetic location: 6q26.
Variant type: single nucleotide variant.
Coding change: c.125G>C on transcript NM_004562.3 (MANE Select); coding-DNA position 125, G replaced by C.
Protein change: p.Arg42Pro; replaces arginine 42 with proline.
Molecular consequence: missense variant.
Genome position (GRCh38, 1-based): chr6:162,443,356, C>G on the plus strand (G>C on the coding strand, the complement: PRKN is on the minus strand). VCF-style: chr6-162443356-C-G. GRCh37 (hg19) VCF-style: chr6-162864388-C-G.
Other names: c.125G>C, p.Arg42Pro (NM_013987.3, NM_013988.3); short protein forms R42P.
Identifiers: ClinVar variation 644125 (VCV000644125.13), dbSNP rs368134308, ClinGen allele CA4090505.

ClinVar aggregate classification (germline): Pathogenic. Review status: criteria provided, multiple submitters, no conflicts (2 of 4 stars). 2 submissions from 2 submitters: Pathogenic (2). Last evaluated 2025-12-05.

Conditions:
Autosomal recessive juvenile Parkinson disease 2. Also called: Parkinson disease autosomal recessive, early onset; Juvenile parkinsonism; Parkinsonism, early onset, with diurnal fluctuation; PRKN-Related Early-Onset Parkinson Disease; Parkinson disease, juvenile, type 2; PARKINSON DISEASE, JUVENILE, AUTOSOMAL RECESSIVE. Identifiers: Orphanet 2828, MedGen C1868675, MONDO:0010820, OMIM 600116.

Allele frequency attached by ClinVar (database versions not stated): TOPMed 0.00001.
gnomAD v4.1: 67 of 1,613,226 alleles (0.0042%); highest among the groups gnomAD compares: Middle Eastern, 0.055%; no homozygotes.

Submissions (2):

Women's Health and Genetics/Laboratory Corporation of America, LabCorp
Classification: Pathogenic for Autosomal recessive juvenile Parkinson disease 2. Last evaluated: 2025-12-05. Review status: criteria provided, single submitter. Criteria: LabCorp Variant Classification Summary - May 2015. Collection method: clinical testing. Allele origin: germline.
Comment: Variant summary: PRKN c.125G>C (p.Arg42Pro) results in a non-conservative amino acid change in the encoded protein sequence. Algorithms developed to predict the effect of missense changes on protein structure and function are either unavailable or do not agree on the potential impact of this missense change. The variant allele was found at a frequency of 3.2e-05 in 251366 control chromosomes (gnomAD). c.125G>C has been observed in multiple individuals affected with Autosomal Recessive Juvenile Parkinson Disease 2 (e.g. Terreni_2001). These data indicate that the variant is very likely to be associated with disease. Publications report experimental evidence evaluating an impact on protein function, finding that the variant affects PRKN function (e.g. Henn_2005). The following publications have been ascertained in the context of this evaluation (PMID: 11222788, 15606901). ClinVar contains an entry for this variant (Variation ID: 644125). Based on the evidence outlined above, the variant was classified as pathogenic.

Labcorp Genetics (formerly Invitae), Labcorp
Classification: Pathogenic. Last evaluated: 2025-05-25. Review status: criteria provided, single submitter. Criteria: Invitae Variant Classification Sherloc (09022015). Collection method: clinical testing. Allele origin: germline.
Comment: This sequence change replaces arginine, which is basic and polar, with proline, which is neutral and non-polar, at codon 42 of the PRKN protein (p.Arg42Pro). This variant is present in population databases (rs368134308, gnomAD 0.006%). This missense change has been observed in individuals with early onset Parkinson's disease (PMID: 11222788, 15584030, 18973254, 27206984). It has also been observed to segregate with disease in related individuals. ClinVar contains an entry for this variant (Variation ID: 644125). Invitae Evidence Modeling of protein sequence and biophysical properties (such as structural, functional, and spatial information, amino acid conservation, physicochemical variation, residue mobility, and thermodynamic stability) has been performed for this missense variant. However, the output from this modeling did not meet the statistical confidence thresholds required to predict the impact of this variant on PRKN protein function. Experimental studies have shown that this missense change affects PRKN function (PMID: 15606901, 18004887, 21694720, 27206984). For these reasons, this variant has been classified as Pathogenic.

Literature cited by the submitters: PubMed 15606901 (cited by Women's Health and Genetics/Laboratory Corporation of America, LabCorp and Labcorp Genetics (formerly Invitae), Labcorp); PubMed 11222788 (cited by Women's Health and Genetics/Laboratory Corporation of America, LabCorp and Labcorp Genetics (formerly Invitae), Labcorp); PubMed 15584030 (cited by Labcorp Genetics (formerly Invitae), Labcorp); PubMed 18973254 (cited by Labcorp Genetics (formerly Invitae), Labcorp); PubMed 27206984 (cited by Labcorp Genetics (formerly Invitae), Labcorp); PubMed 18004887 (cited by Labcorp Genetics (formerly Invitae), Labcorp); PubMed 21694720 (cited by Labcorp Genetics (formerly Invitae), Labcorp).